The following is an entry in ClinVar:

NM_017841.4(SDHAF2):c.5C>A (p.Ala2Glu)

Gene: SDHAF2 (succinate dehydrogenase complex assembly factor 2; plus strand). Cytogenetic location: 11q12.2.
Variant type: single nucleotide variant.
Coding change: c.5C>A on transcript NM_017841.4 (MANE Select); coding-DNA position 5, C replaced by A.
Protein change: p.Ala2Glu; replaces alanine 2 with glutamic acid.
Molecular consequence: missense variant.
Genome position (GRCh38, 1-based): chr11:61,430,151, C>A. VCF-style: chr11-61430151-C-A. GRCh37 (hg19) VCF-style: chr11-61197623-C-A.
Other names: short protein forms A2E.
Identifiers: ClinVar variation 2678636 (VCV002678636.3), dbSNP rs867394650, ClinGen allele CA380680100.

ClinVar aggregate classification (germline): Uncertain significance. Review status: criteria provided, multiple submitters, no conflicts (2 of 4 stars). 3 submissions from 3 submitters: Uncertain significance (3). Last evaluated 2025-11-22.

Conditions:
Hereditary cancer-predisposing syndrome. Also called: Hereditary neoplastic syndrome; Neoplastic Syndromes, Hereditary; Tumor predisposition; Hereditary Cancer Syndrome. Identifiers: Orphanet 140162, MedGen C0027672, MeSH D009386, MONDO:0015356.
Pheochromocytoma/paraganglioma syndrome 2. Also called: SDHAF2-Related Hereditary Paraganglioma-Pheochromocytoma Syndrome; GLOMUS TUMORS, FAMILIAL, 2; Paragangliomas 2; SDHAF2-Related Hereditary Paraganglioma-Pheochromocytoma Syndrome (Paragangliomas 2). Identifiers: Orphanet 29072, MedGen C1866552, MONDO:0011121, OMIM 601650.
Hereditary pheochromocytoma and paraganglioma. Also called: Hereditary Paraganglioma-Pheochromocytoma Syndromes; Hereditary pheochromocytoma-paraganglioma; Hereditary paragangliomas and pheochromocytomas. Identifiers: Orphanet 29072, MedGen C4274332, MONDO:0017366.

gnomAD v4.1: 2 of 1,614,184 alleles (0.00012%); highest among the groups gnomAD compares: African/African-American, 0.0027%; no homozygotes.

Submissions (3):

Labcorp Genetics (formerly Invitae), Labcorp
Classification: Uncertain significance for Hereditary pheochromocytoma and paraganglioma. Last evaluated: 2025-11-22. Review status: criteria provided, single submitter. Criteria: Invitae Variant Classification Sherloc (09022015). Collection method: clinical testing. Allele origin: germline.
Comment: This sequence change replaces alanine, which is neutral and non-polar, with glutamic acid, which is acidic and polar, at codon 2 of the SDHAF2 protein (p.Ala2Glu). This variant is present in population databases (no rsID available, gnomAD 0.01%). This variant has not been reported in the literature in individuals affected with SDHAF2-related conditions. ClinVar contains an entry for this variant (Variation ID: 2678636). An algorithm developed to predict the effect of missense changes on protein structure and function (PolyPhen-2) suggests that this variant is likely to be tolerated. In summary, the available evidence is currently insufficient to determine the role of this variant in disease. Therefore, it has been classified as a Variant of Uncertain Significance.

Ambry Genetics
Classification: Uncertain significance for Hereditary cancer-predisposing syndrome. Last evaluated: 2024-04-19. Review status: criteria provided, single submitter. Criteria: Ambry Variant Classification Scheme 2023. Collection method: clinical testing. Allele origin: germline.
Comment: The p.A2E variant (also known as c.5C>A), located in coding exon 1 of the SDHAF2 gene, results from a C to A substitution at nucleotide position 5. The alanine at codon 2 is replaced by glutamic acid, an amino acid with dissimilar properties. This amino acid position is conserved. In addition, the in silico prediction for this alteration is inconclusive. Based on the available evidence, the clinical significance of this variant remains unclear.

Baylor Genetics
Classification: Uncertain significance for Pheochromocytoma/paraganglioma syndrome 2. Last evaluated: 2023-07-07. Review status: criteria provided, single submitter. Criteria: ACMG Guidelines, 2015. Collection method: clinical testing. Allele origin: unknown.